The following is an entry in ClinVar:

NM_001365536.1(SCN9A):c.2348T>C (p.Phe783Ser)

Genes: SCN9A (sodium voltage-gated channel alpha subunit 9; minus strand), SCN1A-AS1 (SCN1A and SCN9A antisense RNA 1; plus strand). Cytogenetic location: 2q24.3.
Variant type: single nucleotide variant.
Coding change: c.2348T>C on transcript NM_001365536.1 (MANE Select); coding-DNA position 2348, T replaced by C.
Protein change: p.Phe783Ser; replaces phenylalanine 783 with serine.
Molecular consequence: missense variant.
Genome position (GRCh38, 1-based): chr2:166,278,309, A>G on the plus strand (T>C on the coding strand, the complement: SCN9A is on the minus strand). VCF-style: chr2-166278309-A-G. GRCh37 (hg19) VCF-style: chr2-167134819-A-G.
Other names: c.2315T>C, p.Phe772Ser (NM_002977.4); short protein forms F772S, F783S.
Identifiers: ClinVar variation 655885 (VCV000655885.8), dbSNP rs554539624, ClinGen allele CA1944284.

ClinVar aggregate classification (germline): Uncertain significance. Review status: criteria provided, multiple submitters, no conflicts (2 of 4 stars). 2 submissions from 2 submitters: Uncertain significance (2). Last evaluated 2024-09-05.

Conditions:
Neuropathy, hereditary sensory and autonomic, type 2A (HSAN2A). Also called: WNK1-Related HSAN2 (HSAN2A); ACROOSTEOLYSIS, GIACCAI TYPE; ACROOSTEOLYSIS, NEUROGENIC; MORVAN DISEASE; NEUROPATHY, CONGENITAL SENSORY; NEUROPATHY, HEREDITARY SENSORY RADICULAR, AUTOSOMAL RECESSIVE. Identifiers: Orphanet 970, MedGen C2752089, MONDO:0024309, OMIM 201300.
Generalized epilepsy with febrile seizures plus, type 7 (GEFSP7). Also called: GEFS+, TYPE 7. Identifiers: Orphanet 36387, MedGen C2751778, MONDO:0013470, OMIM 613863.
Channelopathy-associated congenital insensitivity to pain, autosomal recessive. Also called: Insensitivity to pain, channelopathy-associated; ASYMBOLIA FOR PAIN; CONGENITAL ANALGESIA, AUTOSOMAL RECESSIVE. Identifiers: Orphanet 88642, Orphanet 970, MedGen C1855739, MONDO:0009459, OMIM 243000.
Primary erythromelalgia. Also called: primary erythermalgia; SCN9A Erythromelalgia (SCN9A-EM). Identifiers: Orphanet 306577, Orphanet 90026, MedGen C0014805, MONDO:0007571, OMIM 133020.
Paroxysmal extreme pain disorder (PEXPD). Also called: SCN9A Paroxysmal Extreme Pain Disorder (SCN9A-PEPD); PAIN, SUBMANDIBULAR, OCULAR, AND RECTAL, WITH FLUSHING; RECTAL PAIN, FAMILIAL. Identifiers: Orphanet 46348, MedGen C1833661, MONDO:0008179, OMIM 167400.

Allele frequency attached by ClinVar (database versions not stated): gnomAD 0.00001 and 0.00006; TOPMed 0.00001; gnomAD exomes 0.00003 and 0.00006; ExAC 0.00010; 1000 Genomes Project 30x 0.00031; 1000 Genomes Project 0.00040.
gnomAD v4.1: 45 of 1,596,364 alleles (0.0028%); highest among the groups gnomAD compares: South Asian, 0.049%; no homozygotes.

Submissions (2):

Labcorp Genetics (formerly Invitae), Labcorp
Classification: Uncertain significance for Neuropathy, hereditary sensory and autonomic, type 2A; Generalized epilepsy with febrile seizures plus, type 7. Last evaluated: 2024-09-05. Review status: criteria provided, single submitter. Criteria: Invitae Variant Classification Sherloc (09022015). Collection method: clinical testing. Allele origin: germline.
Comment: This sequence change replaces phenylalanine, which is neutral and non-polar, with serine, which is neutral and polar, at codon 772 of the SCN9A protein (p.Phe772Ser). This variant is present in population databases (rs554539624, gnomAD 0.05%). This variant has not been reported in the literature in individuals affected with SCN9A-related conditions. ClinVar contains an entry for this variant (Variation ID: 655885). Invitae Evidence Modeling of protein sequence and biophysical properties (such as structural, functional, and spatial information, amino acid conservation, physicochemical variation, residue mobility, and thermodynamic stability) has been performed for this missense variant. However, the output from this modeling did not meet the statistical confidence thresholds required to predict the impact of this variant on SCN9A protein function. In summary, the available evidence is currently insufficient to determine the role of this variant in disease. Therefore, it has been classified as a Variant of Uncertain Significance.

Fulgent Genetics
Classification: Uncertain significance for Primary erythromelalgia; Paroxysmal extreme pain disorder; Neuropathy, hereditary sensory and autonomic, type 2A; Channelopathy-associated congenital insensitivity to pain, autosomal recessive. Last evaluated: 2022-01-06. Review status: criteria provided, single submitter. Criteria: ACMG Guidelines, 2015. Collection method: clinical testing. Allele origin: unknown.